The following is an entry in ClinVar:

ClinVar aggregate classification (germline): Pathogenic/Likely pathogenic. Review status: criteria provided, multiple submitters, no conflicts (2 of 4 stars). 8 submissions from 8 submitters: Pathogenic (1); Likely pathogenic (5). 2 of the submissions do not count toward it. Last evaluated 2025-10-22.

Conditions:
Merosin deficient congenital muscular dystrophy (MDC1A). Also called: Congenital Muscular Dystrophy Type 1A (MDC1A); Congenital merosin-deficient muscular dystrophy 1A. Identifiers: Orphanet 258, MedGen C1263858, MONDO:0011925, OMIM 607855.
Muscular dystrophy, limb-girdle, autosomal recessive 23. Identifiers: Orphanet 565837, MedGen C4748327, MONDO:0029136, OMIM 618138.
LAMA2-related muscular dystrophy (LAMA2-RD). Also called: Laminin alpha 2-related dystrophy. Identifiers: MedGen C5679788, MONDO:0100228.

Allele frequency attached by ClinVar (database versions not stated): gnomAD exomes below 0.00001; TOPMed 0.00001.
gnomAD v4.1: 7 of 1,614,050 alleles (0.00043%); highest among the groups gnomAD compares: Non-Finnish European, 0.00051%; no homozygotes.

Submissions (8):

3billion
Classification: Likely pathogenic for Merosin deficient congenital muscular dystrophy. Last evaluated: 2025-10-22. Review status: criteria provided, single submitter. Criteria: ACMG Guidelines, 2015. Collection method: clinical testing. Allele origin: germline. Affected: yes.
Comment: The variant is observed at an extremely low frequency in the gnomAD v4.1.0 dataset (total allele frequency: <0.001%). Predicted Consequence/Location: Stop-gained (nonsense): predicted to result in a loss or disruption of normal protein function through protein truncation. The predicted truncated protein may be shortened by less than 10%. The variant has been reported at least twice as pathogenic with clinical assertions and evidence for the classification (ClinVar ID: VCV000014291 /PMID: 11591858). Therefore, this variant is classified as Likely pathogenic according to the recommendation of ACMG/AMP guideline.

Labcorp Genetics (formerly Invitae), Labcorp
Classification: Pathogenic for LAMA2-related muscular dystrophy. Last evaluated: 2025-08-07. Review status: criteria provided, single submitter. Criteria: Invitae Variant Classification Sherloc (09022015). Collection method: clinical testing. Allele origin: germline.
Comment: This sequence change creates a premature translational stop signal (p.Arg3085*) in the LAMA2 gene. While this is not anticipated to result in nonsense mediated decay, it is expected to disrupt the last 38 amino acid(s) of the LAMA2 protein. This variant is present in population databases (rs121913571, gnomAD 0.0009%). This premature translational stop signal has been observed in individual(s) with autosomal recessive congenital muscular dystrophy (PMID: 11591858, 34777456). In at least one individual the data is consistent with being in trans (on the opposite chromosome) from a pathogenic variant. It has also been observed to segregate with disease in related individuals. ClinVar contains an entry for this variant (Variation ID: 14291). Algorithms developed to predict the effect of sequence changes on RNA splicing suggest that this variant may disrupt the consensus splice site. For these reasons, this variant has been classified as Pathogenic.

CeGaT Center for Human Genetics Tuebingen
Classification: Likely pathogenic. Last evaluated: 2024-10-01. Review status: criteria provided, single submitter. Criteria: CeGaT Center For Human Genetics Tuebingen Variant Classification Criteria Version 2. Collection method: clinical testing. Allele origin: germline. Affected: yes. Observed: 1 variant allele.
Comment: LAMA2: PM3:Strong, PM2, PVS1:Moderate

Fulgent Genetics
Classification: Likely pathogenic for Merosin deficient congenital muscular dystrophy; Muscular dystrophy, limb-girdle, autosomal recessive 23. Last evaluated: 2024-02-06. Review status: criteria provided, single submitter. Criteria: ACMG Guidelines, 2015. Collection method: clinical testing. Allele origin: germline.

Baylor Genetics
Classification: Likely pathogenic for Merosin deficient congenital muscular dystrophy. Last evaluated: 2023-03-25. Review status: criteria provided, single submitter. Criteria: ACMG Guidelines, 2015. Collection method: clinical testing. Allele origin: unknown.

GeneDx
Classification: Likely pathogenic. Last evaluated: 2022-12-20. Review status: criteria provided, single submitter. Criteria: GeneDx Variant Classification Process June 2021. Collection method: clinical testing. Allele origin: germline. Affected: yes.
Comment: Previously reported in a patient with congenital muscular dystrophy who had an abnormal merosin staining through immunohistochemistry and a second LAMA2 variant identified; however, parental testing was not reported (He et al., 2001); Not observed at significant frequency in large population cohorts (gnomAD); Nonsense variant predicted to result in protein truncation, as the last 38 amino acids are lost, and other loss-of-function variants have been reported downstream in HGMD; This variant is associated with the following publications: (PMID: 18937996, 27854218, 11591858, 34777456)

Counsyl
Classification: Likely pathogenic for Merosin deficient congenital muscular dystrophy. Last evaluated: 2017-11-15. Review status: no assertion criteria provided. Collection method: clinical testing. Allele origin: unknown. Not counted in ClinVar's aggregate classification.

OMIM
Classification: Pathogenic for MUSCULAR DYSTROPHY, CONGENITAL MEROSIN-DEFICIENT. Last evaluated: 2001-10-09. Review status: no assertion criteria provided. Collection method: literature only. Allele origin: germline. Not counted in ClinVar's aggregate classification.

Literature cited by the submitters: PubMed 11591858 (cited by 4 submitters); PubMed 34777456 (cited by Labcorp Genetics (formerly Invitae), Labcorp); PubMed 10619025 (cited by Counsyl); PubMed 10022829 (cited by Counsyl); PubMed 27159402 (cited by Counsyl).

NM_000426.4(LAMA2):c.9253C>T (p.Arg3085Ter)

Gene: LAMA2 (laminin subunit alpha 2; plus strand). Cytogenetic location: 6q22.33.
Variant type: single nucleotide variant.
Coding change: c.9253C>T on transcript NM_000426.4 (MANE Select); coding-DNA position 9253, C replaced by T.
Protein change: p.Arg3085Ter; replaces arginine 3085 with a stop codon.
Molecular consequence: nonsense.
Genome position (GRCh38, 1-based): chr6:129,516,231, C>T. VCF-style: chr6-129516231-C-T. GRCh37 (hg19) VCF-style: chr6-129837376-C-T.
Other names: c.9241C>T, p.Arg3081Ter (NM_001079823.2); short protein forms R3085*, R3081*.
Identifiers: ClinVar variation 14291 (VCV000014291.24), dbSNP rs121913571, ClinGen allele CA257204.